The following is an entry in ClinVar:

NM_000057.4(BLM):c.2393A>T (p.His798Leu)

Gene: BLM (BLM RecQ like helicase; plus strand). Cytogenetic location: 15q26.1.
Variant type: single nucleotide variant.
Coding change: c.2393A>T on transcript NM_000057.4 (MANE Select); coding-DNA position 2393, A replaced by T.
Protein change: p.His798Leu; replaces histidine 798 with leucine.
Molecular consequence: missense variant.
Genome position (GRCh38, 1-based): chr15:90,769,218, A>T. VCF-style: chr15-90769218-A-T. GRCh37 (hg19) VCF-style: chr15-91312448-A-T.
Other names: c.2393A>T, p.His798Leu (NM_001287246.2, NM_001287247.2); c.1268A>T, p.His423Leu (NM_001287248.2); short protein forms H423L, H798L.
Identifiers: ClinVar variation 645739 (VCV000645739.9), dbSNP rs1596238349, ClinGen allele CA393845205.

ClinVar aggregate classification (germline): Uncertain significance (1 of 4 stars; one submission).

Conditions:
Bloom syndrome (BLM). Also called: Bloom-Torre-Machacek syndrome. Identifiers: Orphanet 125, MedGen C0005859, MONDO:0008876, OMIM 210900.

Submission:

Labcorp Genetics (formerly Invitae), Labcorp
Classification: Uncertain significance for Bloom syndrome. Last evaluated: 2018-12-16. Review status: criteria provided, single submitter. Criteria: Invitae Variant Classification Sherloc (09022015). Collection method: clinical testing. Allele origin: germline.
Comment: This variant is not present in population databases (ExAC no frequency). In summary, the available evidence is currently insufficient to determine the role of this variant in disease. Therefore, it has been classified as a Variant of Uncertain Significance. Algorithms developed to predict the effect of missense changes on protein structure and function are either unavailable or do not agree on the potential impact of this missense change (SIFT: "Deleterious"; PolyPhen-2: "Probably Damaging"; Align-GVGD: "Class C0"). This variant has not been reported in the literature in individuals with BLM-related conditions. This sequence change replaces histidine with leucine at codon 798 of the BLM protein (p.His798Leu). The histidine residue is highly conserved and there is a moderate physicochemical difference between histidine and leucine.